The following is an entry in ClinVar:

ClinVar aggregate classification (germline): Likely benign (1 of 4 stars; one submission).

Allele frequency attached by ClinVar (database versions not stated): ESP Exome Variant Server 0.00008; TOPMed 0.00008; 1000 Genomes Project 0.00060; 1000 Genomes Project 30x 0.00062.
gnomAD v4.1: 19 of 1,608,666 alleles (0.0012%); highest among the groups gnomAD compares: African/African-American, 0.016%; no homozygotes.

Submission:

CeGaT Center for Human Genetics Tuebingen
Classification: Likely benign. Last evaluated: 2023-04-01. Review status: criteria provided, single submitter. Criteria: CeGaT Center For Human Genetics Tuebingen Variant Classification Criteria Version 2. Collection method: clinical testing. Allele origin: germline. Affected: yes. Observed: 1 variant allele.
Comment: WDR90: BP4, BP7

NM_145294.5(WDR90):c.3831C>G (p.Leu1277=)

Gene: WDR90 (WD repeat domain 90; plus strand). Cytogenetic location: 16p13.3.
Variant type: single nucleotide variant.
Coding change: c.3831C>G on transcript NM_145294.5 (MANE Select); coding-DNA position 3831, C replaced by G.
Protein change: p.Leu1277=; no amino-acid change (leucine 1277 retained).
Molecular consequence: synonymous variant.
Genome position (GRCh38, 1-based): chr16:661,754, C>G. VCF-style: chr16-661754-C-G. GRCh37 (hg19) VCF-style: chr16-711754-C-G.
Identifiers: ClinVar variation 2645840 (VCV002645840.24), dbSNP rs200439148, ClinGen allele CA7784107.